The following is an entry in ClinVar:

NM_032043.3(BRIP1):c.3605A>C (p.Glu1202Ala)

Gene: BRIP1 (BRCA1 interacting DNA helicase 1; minus strand). Cytogenetic location: 17q23.2.
Variant type: single nucleotide variant.
Coding change: c.3605A>C on transcript NM_032043.3 (MANE Select); coding-DNA position 3605, A replaced by C.
Protein change: p.Glu1202Ala; replaces glutamic acid 1202 with alanine.
Molecular consequence: missense variant.
Genome position (GRCh38, 1-based): chr17:61,683,441, T>G on the plus strand (A>C on the coding strand, the complement: BRIP1 is on the minus strand). VCF-style: chr17-61683441-T-G. GRCh37 (hg19) VCF-style: chr17-59760802-T-G.
Other names: short protein forms E1202A.
Identifiers: ClinVar variation 642532 (VCV000642532.10), dbSNP rs776010326, ClinGen allele CA400478074.

ClinVar aggregate classification (germline): Uncertain significance. Review status: criteria provided, multiple submitters, no conflicts (2 of 4 stars). 2 submissions from 2 submitters: Uncertain significance (2). Last evaluated 2024-05-31.

Conditions:
Hereditary cancer-predisposing syndrome. Also called: Neoplastic Syndromes, Hereditary; Hereditary Cancer Syndrome; Hereditary neoplastic syndrome; Tumor predisposition. Identifiers: Orphanet 140162, MedGen C0027672, MeSH D009386, MONDO:0015356.
Familial cancer of breast. Also called: hereditary breast carcinoma; BREAST CANCER, FAMILIAL; Hereditary breast cancer. Identifiers: Orphanet 227535, MedGen C0346153, MONDO:0016419, OMIM 114480. Disease mechanism: loss of function.
Fanconi anemia complementation group J. Also called: BRIP1-Related Fanconi Anemia. Identifiers: Orphanet 84, MedGen C1836860, MONDO:0012187, OMIM 609054.

Submissions (2):

Ambry Genetics
Classification: Uncertain significance for Hereditary cancer-predisposing syndrome. Last evaluated: 2024-05-31. Review status: criteria provided, single submitter. Criteria: Ambry Variant Classification Scheme 2023. Collection method: clinical testing. Allele origin: germline.
Comment: The p.E1202A variant (also known as c.3605A>C), located in coding exon 19 of the BRIP1 gene, results from an A to C substitution at nucleotide position 3605. The glutamic acid at codon 1202 is replaced by alanine, an amino acid with dissimilar properties. This amino acid position is conserved. In addition, this alteration is predicted to be tolerated by in silico analysis. Based on the available evidence, the clinical significance of this variant remains unclear.

Labcorp Genetics (formerly Invitae), Labcorp
Classification: Uncertain significance for Familial cancer of breast; Fanconi anemia complementation group J. Last evaluated: 2018-09-04. Review status: criteria provided, single submitter. Criteria: Invitae Variant Classification Sherloc (09022015). Collection method: clinical testing. Allele origin: germline.
Comment: In summary, the available evidence is currently insufficient to determine the role of this variant in disease. Therefore, it has been classified as a Variant of Uncertain Significance. This sequence change replaces glutamic acid with alanine at codon 1202 of the BRIP1 protein (p.Glu1202Ala). The glutamic acid residue is weakly conserved and there is a moderate physicochemical difference between glutamic acid and alanine. This variant is not present in population databases (ExAC no frequency). This variant has not been reported in the literature in individuals with BRIP1-related disease. Algorithms developed to predict the effect of missense changes on protein structure and function (SIFT, PolyPhen-2, Align-GVGD) all suggest that this variant is likely to be tolerated, but these predictions have not been confirmed by published functional studies and their clinical significance is uncertain. Algorithms developed to predict the effect of sequence changes on RNA splicing suggest that this variant may create or strengthen a splice site, but this prediction has not been confirmed by published transcriptional studies.